The following is an entry in ClinVar:

NM_182914.3(SYNE2):c.17125G>T (p.Val5709Leu)

Gene: SYNE2 (spectrin repeat containing nuclear envelope protein 2; plus strand). Cytogenetic location: 14q23.2.
Variant type: single nucleotide variant.
Coding change: c.17125G>T on transcript NM_182914.3 (MANE Select); coding-DNA position 17125, G replaced by T.
Protein change: p.Val5709Leu; replaces valine 5709 with leucine.
Molecular consequence: missense variant.
Genome position (GRCh38, 1-based): chr14:64,170,352, G>T. VCF-style: chr14-64170352-G-T. GRCh37 (hg19) VCF-style: chr14-64637070-G-T.
Other names: c.17125G>T, p.Val5709Leu (NM_015180.6); short protein forms V5709L.
Identifiers: ClinVar variation 1379964 (VCV001379964.6), dbSNP rs753925813, ClinGen allele CA389973589.

ClinVar aggregate classification (germline): Uncertain significance (1 of 4 stars; one submission).

Conditions:
Emery-Dreifuss muscular dystrophy 5, autosomal dominant (EDMD5). Also called: EMERY-DREIFUSS MUSCULAR DYSTROPHY 5. Identifiers: Orphanet 261, MedGen C2751805, MONDO:0013072, OMIM 612999.

gnomAD v4.1: 5 of 1,614,146 alleles (0.00031%); highest among the groups gnomAD compares: Middle Eastern, 0.016%; no homozygotes.

Submission:

Labcorp Genetics (formerly Invitae), Labcorp
Classification: Uncertain significance for Emery-Dreifuss muscular dystrophy 5, autosomal dominant. Last evaluated: 2022-10-17. Review status: criteria provided, single submitter. Criteria: Invitae Variant Classification Sherloc (09022015). Collection method: clinical testing. Allele origin: germline.
Comment: In summary, the available evidence is currently insufficient to determine the role of this variant in disease. Therefore, it has been classified as a Variant of Uncertain Significance. Algorithms developed to predict the effect of missense changes on protein structure and function output the following: SIFT: "Tolerated"; PolyPhen-2: "Benign"; Align-GVGD: "Class C0". The leucine amino acid residue is found in multiple mammalian species, which suggests that this missense change does not adversely affect protein function. ClinVar contains an entry for this variant (Variation ID: 1379964). This variant has not been reported in the literature in individuals affected with SYNE2-related conditions. This variant is not present in population databases (gnomAD no frequency). This sequence change replaces valine, which is neutral and non-polar, with leucine, which is neutral and non-polar, at codon 5709 of the SYNE2 protein (p.Val5709Leu).